The following is an entry in ClinVar:

ClinVar aggregate classification (germline): Uncertain significance (1 of 4 stars; one submission).

Conditions:
Familial adenomatous polyposis 1 (FAP1). Also called: FAMILIAL ADENOMATOUS POLYPOSIS 1, ATTENUATED; POLYPOSIS, ADENOMATOUS INTESTINAL. Identifiers: MedGen C2713442, MONDO:0021056, OMIM 175100. Disease mechanism: loss of function.

Submission:

Labcorp Genetics (formerly Invitae), Labcorp
Classification: Uncertain significance for Familial adenomatous polyposis 1. Last evaluated: 2022-10-25. Review status: criteria provided, single submitter. Criteria: Invitae Variant Classification Sherloc (09022015). Collection method: clinical testing. Allele origin: germline.
Comment: This sequence change replaces tyrosine, which is neutral and polar, with histidine, which is basic and polar, at codon 1854 of the APC protein (p.Tyr1854His). This variant is not present in population databases (gnomAD no frequency). This variant has not been reported in the literature in individuals affected with APC-related conditions. Advanced modeling of protein sequence and biophysical properties (such as structural, functional, and spatial information, amino acid conservation, physicochemical variation, residue mobility, and thermodynamic stability) performed at Invitae indicates that this missense variant is not expected to disrupt APC protein function. In summary, the available evidence is currently insufficient to determine the role of this variant in disease. Therefore, it has been classified as a Variant of Uncertain Significance.

NM_000038.6(APC):c.5560T>C (p.Tyr1854His)

Gene: APC (APC regulator of Wnt signaling pathway; plus strand). Cytogenetic location: 5q22.2.
Variant type: single nucleotide variant.
Coding change: c.5560T>C on transcript NM_000038.6 (MANE Select); coding-DNA position 5560, T replaced by C.
Protein change: p.Tyr1854His; replaces tyrosine 1854 with histidine.
Molecular consequence: missense variant. On other transcripts: non-coding transcript variant (2).
Genome position (GRCh38, 1-based): chr5:112,841,154, T>C. VCF-style: chr5-112841154-T-C. GRCh37 (hg19) VCF-style: chr5-112176851-T-C.
Other names: c.5437T>C, p.Tyr1813His (NM_001354900.2); c.5383T>C, p.Tyr1795His (NM_001354901.2, NM_001407453.1); c.5287T>C, p.Tyr1763His (NM_001354902.2); c.5182T>C, p.Tyr1728His (NM_001354904.2); c.5080T>C, p.Tyr1694His (NM_001354905.2); c.4711T>C, p.Tyr1571His (NM_001354906.2, NM_001407470.1); c.5257T>C, p.Tyr1753His (NM_001354903.2, NM_001407458.1, NM_001407459.1 and 1 more transcripts); c.5644T>C, p.Tyr1882His (NM_001407446.1); and 11 more; short protein forms Y1728H, Y1826H, Y1829H, Y1854H, Y1872H, Y1882H, Y1571H, Y1694H.
Identifiers: ClinVar variation 2809670 (VCV002809670.3), dbSNP rs2149943259, ClinGen allele CA16033495.